The following is an entry in ClinVar:

NM_000179.3(MSH6):c.1747A>G (p.Arg583Gly)

Gene: MSH6 (mutS homolog 6; plus strand). Cytogenetic location: 2p16.3.
Variant type: single nucleotide variant.
Coding change: c.1747A>G on transcript NM_000179.3 (MANE Select); coding-DNA position 1747, A replaced by G.
Protein change: p.Arg583Gly; replaces arginine 583 with glycine.
Molecular consequence: missense variant.
Genome position (GRCh38, 1-based): chr2:47,799,730, A>G. VCF-style: chr2-47799730-A-G. GRCh37 (hg19) VCF-style: chr2-48026869-A-G.
Other names: c.1357A>G, p.Arg453Gly (NM_001281492.2); c.841A>G, p.Arg281Gly (NM_001281493.2, NM_001281494.2); short protein forms R583G, R281G, R453G.
Identifiers: ClinVar variation 580453 (VCV000580453.14), dbSNP rs1558662808, ClinGen allele CA346748907.

ClinVar aggregate classification (germline): Uncertain significance. Review status: criteria provided, multiple submitters, no conflicts (2 of 4 stars). 3 submissions from 3 submitters: Uncertain significance (3). Last evaluated 2025-03-04.

Conditions:
Hereditary cancer-predisposing syndrome. Also called: Neoplastic Syndromes, Hereditary; Tumor predisposition; Hereditary neoplastic syndrome; Hereditary Cancer Syndrome. Identifiers: Orphanet 140162, MedGen C0027672, MeSH D009386, MONDO:0015356.
Hereditary nonpolyposis colorectal neoplasms. Identifiers: MedGen C0009405, MeSH D003123.

Allele frequency attached by ClinVar (database versions not stated): gnomAD exomes below 0.00001.
gnomAD v4.1: 1 of 1,614,206 alleles (0.000062%); highest among the groups gnomAD compares: Non-Finnish European, 0.000085%; no homozygotes.

Submissions (3):

Center for Genomic Medicine, Rigshospitalet, Copenhagen University Hospital
Classification: Uncertain significance. Last evaluated: 2025-03-04. Review status: criteria provided, single submitter. Criteria: ACMG Guidelines, 2015. Collection method: clinical testing. Allele origin: germline.

Ambry Genetics
Classification: Uncertain significance for Hereditary cancer-predisposing syndrome. Last evaluated: 2024-09-19. Review status: criteria provided, single submitter. Criteria: Ambry Variant Classification Scheme 2023. Collection method: clinical testing. Allele origin: germline.
Comment: The p.R583G variant (also known as c.1747A>G), located in coding exon 4 of the MSH6 gene, results from an A to G substitution at nucleotide position 1747. The arginine at codon 583 is replaced by glycine, an amino acid with dissimilar properties. This amino acid position is conserved. In addition, this alteration is predicted to be deleterious by in silico analysis. Based on the available evidence, the clinical significance of this variant remains unclear.

Labcorp Genetics (formerly Invitae), Labcorp
Classification: Uncertain significance for Hereditary nonpolyposis colorectal neoplasms. Last evaluated: 2024-07-08. Review status: criteria provided, single submitter. Criteria: Invitae Variant Classification Sherloc (09022015). Collection method: clinical testing. Allele origin: germline.
Comment: This sequence change replaces arginine, which is basic and polar, with glycine, which is neutral and non-polar, at codon 583 of the MSH6 protein (p.Arg583Gly). This variant is not present in population databases (gnomAD no frequency). This variant has not been reported in the literature in individuals affected with MSH6-related conditions. ClinVar contains an entry for this variant (Variation ID: 580453). Advanced modeling of protein sequence and biophysical properties (such as structural, functional, and spatial information, amino acid conservation, physicochemical variation, residue mobility, and thermodynamic stability) performed at Invitae indicates that this missense variant is not expected to disrupt MSH6 protein function with a negative predictive value of 95%. In summary, the available evidence is currently insufficient to determine the role of this variant in disease. Therefore, it has been classified as a Variant of Uncertain Significance.